The following is an entry in ClinVar:

ClinVar aggregate classification (germline): Uncertain significance (1 of 4 stars; one submission).

Conditions:
Propionic acidemia (PROP). Also called: GLYCINEMIA, KETOTIC; HYPERGLYCINEMIA WITH KETOACIDOSIS AND LEUKOPENIA; KETOTIC HYPERGLYCINEMIA. Identifiers: Orphanet 35, MedGen C0268579, MONDO:0011628, OMIM 606054, HP:0003571.

Submission:

Labcorp Genetics (formerly Invitae), Labcorp
Classification: Uncertain significance for Propionic acidemia. Last evaluated: 2021-10-08. Review status: criteria provided, single submitter. Criteria: Invitae Variant Classification Sherloc (09022015). Collection method: clinical testing. Allele origin: germline.
Comment: This sequence change replaces tyrosine with phenylalanine at codon 277 of the PCCB protein (p.Tyr277Phe). The tyrosine residue is moderately conserved and there is a small physicochemical difference between tyrosine and phenylalanine. This variant is not present in population databases (ExAC no frequency). This variant has not been reported in the literature in individuals affected with PCCB-related conditions. Advanced modeling of protein sequence and biophysical properties (such as structural, functional, and spatial information, amino acid conservation, physicochemical variation, residue mobility, and thermodynamic stability) performed at Invitae indicates that this missense variant is not expected to disrupt PCCB protein function. In summary, the available evidence is currently insufficient to determine the role of this variant in disease. Therefore, it has been classified as a Variant of Uncertain Significance.

NM_000532.5(PCCB):c.830A>T (p.Tyr277Phe)

Gene: PCCB (propionyl-CoA carboxylase subunit beta; plus strand). Cytogenetic location: 3q22.3.
Variant type: single nucleotide variant.
Coding change: c.830A>T on transcript NM_000532.5 (MANE Select); coding-DNA position 830, A replaced by T.
Protein change: p.Tyr277Phe; replaces tyrosine 277 with phenylalanine.
Molecular consequence: missense variant.
Genome position (GRCh38, 1-based): chr3:136,298,018, A>T. VCF-style: chr3-136298018-A-T. GRCh37 (hg19) VCF-style: chr3-136016860-A-T.
Other names: c.890A>T, p.Tyr297Phe (NM_001178014.2); short protein forms Y297F, Y277F.
Identifiers: ClinVar variation 1518810 (VCV001518810.3), dbSNP rs2108202806, ClinGen allele CA354644725.
Genomic context (GRCh38, chr3:136,298,018, plus strand): 5'-CCCACAGAGCTTTTGAAAATGATGTTGATGCCTTGTGTAATCTCCGGGATTTCTTCAACT[A>T]CCTGCCCCTGAGCAGTCAGGACCCGGCTCCCGTCCGTGAGTGCCACGATCCCAGGTGGGT-3'
Protein context (NP_000523.2, residues 267-287): ALCNLRDFFN[Tyr277Phe]LPLSSQDPAP